The following is an entry in ClinVar:

ClinVar aggregate classification (germline): Uncertain significance (1 of 4 stars; one submission).

Submission:

Labcorp Genetics (formerly Invitae), Labcorp
Classification: Uncertain significance. Last evaluated: 2025-12-20. Review status: criteria provided, single submitter. Criteria: Invitae Variant Classification Sherloc (09022015). Collection method: clinical testing. Allele origin: germline.
Comment: This sequence change replaces arginine, which is basic and polar, with threonine, which is neutral and polar, at codon 525 of the ZCCHC8 protein (p.Arg525Thr). This variant is not present in population databases (gnomAD no frequency). This variant has not been reported in the literature in individuals affected with ZCCHC8-related conditions. Invitae Evidence Modeling of protein sequence and biophysical properties (such as structural, functional, and spatial information, amino acid conservation, physicochemical variation, residue mobility, and thermodynamic stability) indicates that this missense variant is expected to disrupt ZCCHC8 protein function with a positive predictive value of 80%. In summary, the available evidence is currently insufficient to determine the role of this variant in disease. Therefore, it has been classified as a Variant of Uncertain Significance.

NM_017612.5(ZCCHC8):c.1574G>C (p.Arg525Thr)

Gene: ZCCHC8 (zinc finger CCHC-type containing 8; minus strand). Cytogenetic location: 12q24.31.
Variant type: single nucleotide variant.
Coding change: c.1574G>C on transcript NM_017612.5 (MANE Select); coding-DNA position 1574, G replaced by C.
Protein change: p.Arg525Thr; replaces arginine 525 with threonine.
Molecular consequence: missense variant.
Genome position (GRCh38, 1-based): chr12:122,474,047, C>G on the plus strand (G>C on the coding strand, the complement: ZCCHC8 is on the minus strand). VCF-style: chr12-122474047-C-G. GRCh37 (hg19) VCF-style: chr12-122958594-C-G.
Other names: c.1343G>C, p.Arg448Thr (NM_001350935.2); c.1277G>C, p.Arg426Thr (NM_001350936.2); c.860G>C, p.Arg287Thr (NM_001350937.2, NM_001350938.2); short protein forms R525T, R448T, R287T, R426T.
Identifiers: ClinVar variation 4732350 (VCV004732350.1).